The following is an entry in ClinVar:

ClinVar aggregate classification (germline): Likely benign. Review status: criteria provided, multiple submitters, no conflicts (2 of 4 stars). 3 submissions from 3 submitters: Likely benign (2). 1 of the submissions does not count toward it. Last evaluated 2026-07-01.

Conditions:
FIBP-related disorder. Also called: FIBP-related condition.

Allele frequency attached by ClinVar (database versions not stated): 1000 Genomes Project 0.00060; 1000 Genomes Project 30x 0.00062; ExAC 0.00087; gnomAD exomes 0.00090 and 0.00101; gnomAD 0.00098 and 0.00113; TOPMed 0.00102; ESP Exome Variant Server 0.00108.
gnomAD v4.1: 1,640 of 1,614,152 alleles (0.1%); highest among the groups gnomAD compares: Non-Finnish European, 0.12%; 2 homozygotes.

Submissions (3):

CeGaT Center for Human Genetics Tuebingen
Classification: Likely benign. Last evaluated: 2026-07-01. Review status: criteria provided, single submitter. Criteria: CeGaT Center For Human Genetics Tuebingen Variant Classification Criteria Version 2. Collection method: clinical testing. Allele origin: germline. Affected: yes. Observed: 6 variant alleles.
Comment: FIBP: BP4, BP7

Labcorp Genetics (formerly Invitae), Labcorp
Classification: Likely benign. Last evaluated: 2019-12-31. Review status: criteria provided, single submitter. Criteria: Invitae Variant Classification Sherloc (09022015). Collection method: clinical testing. Allele origin: germline.

PreventionGenetics, part of Exact Sciences
Classification: Likely benign for FIBP-related condition. Last evaluated: 2019-03-13. Review status: no assertion criteria provided. Collection method: clinical testing. Allele origin: germline. Not counted in ClinVar's aggregate classification.
Comment: This variant is classified as likely benign based on ACMG/AMP sequence variant interpretation guidelines (Richards et al. 2015 PMID: 25741868, with internal and published modifications).

NM_004214.5(FIBP):c.561G>A (p.Gly187=)

Gene: FIBP (FGF1 intracellular binding protein; minus strand). Cytogenetic location: 11q13.1.
Variant type: single nucleotide variant.
Coding change: c.561G>A on transcript NM_004214.5 (MANE Select); coding-DNA position 561, G replaced by A.
Protein change: p.Gly187=; no amino-acid change (glycine 187 retained).
Molecular consequence: synonymous variant.
Genome position (GRCh38, 1-based): chr11:65,885,615, C>T on the plus strand (G>A on the coding strand, the complement: FIBP is on the minus strand). VCF-style: chr11-65885615-C-T. GRCh37 (hg19) VCF-style: chr11-65653086-C-T.
Other names: c.561G>A, p.Gly187= (NM_198897.2).
Identifiers: ClinVar variation 708689 (VCV000708689.27), dbSNP rs137950249, ClinGen allele CA6111503.